The following is an entry in ClinVar:

ClinVar aggregate classification (germline): Uncertain significance. Review status: criteria provided, multiple submitters, no conflicts (2 of 4 stars). 2 submissions from 2 submitters: Uncertain significance (2). Last evaluated 2023-10-31.

Conditions:
Diamond-Blackfan anemia 7 (DBA7). Also called: RPL11-Related Diamond-Blackfan Anemia. Identifiers: Orphanet 124, MedGen C2675512, MONDO:0012938, OMIM 612562.
Diamond-Blackfan anemia. Also called: Blackfan Diamond syndrome; Aregenerative anemia chronic congenital; Red cell aplasia, pure hereditary; Congenital hypoplastic anemia; Aase syndrome. Identifiers: Orphanet 124, MedGen C1260899, MeSH D029503, MONDO:0015253, HP:0004810.

Submissions (2):

Revvity Omics, Revvity
Classification: Uncertain significance for Diamond-Blackfan anemia 7. Last evaluated: 2023-10-31. Review status: criteria provided, single submitter. Criteria: ACMG Guidelines, 2015. Collection method: clinical testing. Allele origin: germline.

Ambry Genetics
Classification: Uncertain significance for Diamond-Blackfan anemia. Last evaluated: 2015-01-19. Review status: criteria provided, single submitter. Criteria: Ambry Variant Classification Scheme 2023. Collection method: clinical testing. Allele origin: germline.
Comment: The c.396+3A>G intronic variant results from an A to G substitution 3 nucleotides after coding exon 4 in the RPL11 gene. This variant was previously reported in the SNPDatabase as rs113058387. This variant was not reported in population-based cohorts in the following databases: Database of Single Nucleotide Polymorphisms (dbSNP), NHLBI Exome Sequencing Project (ESP) and 1000 Genomes Project. This nucleotide position is highly conserved in available vertebrate species. Using the BDGP splice site prediction tool, this alteration is predicted to signficantly weaken the native splice donor site efficiency. Using the ESEfinder splice site prediction tool, this alteration is predicted to only slightly weaken the native splice donor site efficiency. However, direct evidence is unavailable. Since supporting evidence is limited at this time, the clinical significance of this variant remains unclear.

NM_000975.5(RPL11):c.396+3A>G

Gene: RPL11 (ribosomal protein L11; plus strand). Cytogenetic location: 1p36.11.
Variant type: single nucleotide variant.
Coding change: c.396+3A>G on transcript NM_000975.5 (MANE Select); 3 bases into the intron after coding-DNA position 396, A replaced by G.
Molecular consequence: intron variant.
Genome position (GRCh38, 1-based): chr1:23,694,794, A>G. VCF-style: chr1-23694794-A-G. GRCh37 (hg19) VCF-style: chr1-24021284-A-G.
Other names: c.393+3A>G (NM_001199802.1).
Identifiers: ClinVar variation 1736518 (VCV001736518.3), dbSNP rs113058387, ClinGen allele CA19286913.